The following is an entry in ClinVar:

NM_031448.6(C19orf12):c.*944A>G

Gene: C19orf12 (chromosome 19 open reading frame 12; minus strand). Cytogenetic location: 19q12.
Variant type: single nucleotide variant.
Coding change: c.*944A>G on transcript NM_031448.6 (MANE Select); 944 bases downstream of the stop codon, A replaced by G.
Molecular consequence: 3 prime UTR variant.
Genome position (GRCh38, 1-based): chr19:29,701,768, T>C on the plus strand (A>G on the coding strand, the complement: C19orf12 is on the minus strand). VCF-style: chr19-29701768-T-C. GRCh37 (hg19) VCF-style: chr19-30192675-T-C.
Other names: c.*944A>G (NM_001031726.4, NM_001256047.2, NM_001282929.1 and 2 more transcripts); c.*991A>G (NM_001256046.3).
Identifiers: ClinVar variation 328713 (VCV000328713.5), dbSNP rs549030034, ClinGen allele CA9351778.
Genomic context (GRCh38, chr19:29,701,768, plus strand): 5'-GAAGGTTTGTAGCAGCCTGGCATCAGGCAAGTCTATTTGGCACCATTTTCCAACAGCATG[T>C]GCTCACTTTGCGTTTCTGTGTCAGCATTTTGAACAGTAAATATTTTTAAATTAAGGTTTG-3'

ClinVar aggregate classification (germline): Benign (1 of 4 stars; one submission).

Conditions:
Neurodegeneration with brain iron accumulation 4 (NBIA4). Also called: MITOCHONDRIAL PROTEIN-ASSOCIATED NEURODEGENERATION. Identifiers: Orphanet 289560, MedGen C3280371, MONDO:0013674, OMIM 614298. Disease mechanism: loss of function.

Allele frequency attached by ClinVar (database versions not stated): gnomAD 0.00002 and 0.00063; TOPMed 0.00013; gnomAD exomes 0.00254 and 0.00289; 1000 Genomes Project 30x 0.00500; 1000 Genomes Project 0.00539; ExAC 0.00959.
gnomAD v4.1: 939 of 451,130 alleles (0.21%); highest among the groups gnomAD compares: South Asian, 1.4%; 13 homozygotes.

Submission:

Illumina Laboratory Services, Illumina
Classification: Benign for Neurodegeneration with brain iron accumulation 4. Last evaluated: 2018-01-12. Review status: criteria provided, single submitter. Criteria: ICSL Variant Classification Criteria 13 December 2019. Collection method: clinical testing. Allele origin: germline.
Comment: This variant was observed in the ICSL laboratory as part of a predisposition screen in an ostensibly healthy population. It had not been previously curated by ICSL or reported in the Human Gene Mutation Database (HGMD: prior to June 1st, 2018), and was therefore a candidate for classification through an automated scoring system. Utilizing variant allele frequency, disease prevalence and penetrance estimates, and inheritance mode, an automated score was calculated to assess if this variant is too frequent to cause the disease. Based on the score and internal cut-off values, a variant classified as benign is not then subjected to further curation. The score for this variant resulted in a classification of benign for this disease.